The following is an entry in ClinVar:

ClinVar aggregate classification (germline): Uncertain significance (1 of 4 stars; one submission).

Conditions:
Spastic paraplegia-severe developmental delay-epilepsy syndrome. Also called: Spastic paraplegia and psychomotor retardation with or without seizures. Identifiers: Orphanet 464282, MedGen C4225215, MONDO:0014764, OMIM 616756.

Submission:

Juno Genomics, Hangzhou Juno Genomics, Inc
Classification: Uncertain significance for Spastic paraplegia-severe developmental delay-epilepsy syndrome. Review status: criteria provided, single submitter. Criteria: ACMG Guidelines, 2015. Collection method: clinical testing. Allele origin: germline.
Comment: Absent from controls (or at extremely low frequency if recessive) in Genome Aggregation Database.;Multiple lines of computational evidence support a deleterious effect on the gene or gene product.

NM_020771.4(HACE1):c.131+5G>C

Gene: HACE1 (HECT domain and ankyrin repeat containing E3 ubiquitin protein ligase 1; minus strand). Cytogenetic location: 6q16.3.
Variant type: single nucleotide variant.
Coding change: c.131+5G>C on transcript NM_020771.4 (MANE Select); 5 bases into the intron after coding-DNA position 131, G replaced by C.
Molecular consequence: intron variant.
Genome position (GRCh38, 1-based): chr6:104,852,312, C>G on the plus strand (G>C on the coding strand, the complement: HACE1 is on the minus strand). VCF-style: chr6-104852312-C-G. GRCh37 (hg19) VCF-style: chr6-105300187-C-G.
Other names: c.131+5G>C (NM_001350555.2, NM_001321080.2); c.-445+5G>C (NM_001350560.2); c.-215+5G>C (NM_001350557.2); c.-280+5G>C (NM_001350556.2); c.-237+5G>C (NM_001350559.2); c.-291+5G>C (NM_001350558.2, NM_001321084.2); c.29+5G>C (NM_001350554.2, NM_001321083.2).
Identifiers: ClinVar variation 5006945 (VCV005006945.2).